The following is an entry in ClinVar:

ClinVar aggregate classification (germline): Conflicting classifications of pathogenicity. Review status: criteria provided, conflicting classifications (1 of 4 stars). 2 submissions from 2 submitters: Uncertain significance (1); Likely benign (1). Last evaluated 2025-02-16.

gnomAD v4.1: 53 of 1,614,078 alleles (0.0033%); highest among the groups gnomAD compares: Non-Finnish European, 0.0021%; no homozygotes.

Submissions (2):

Laboratory of Genetics, Children's Clinical University Hospital Latvia
Classification: Likely benign. Last evaluated: 2025-02-16. Review status: criteria provided, single submitter. Criteria: ACMG Guidelines, 2015. Collection method: clinical testing. Allele origin: germline. Affected: yes.

Labcorp Genetics (formerly Invitae), Labcorp
Classification: Uncertain significance. Last evaluated: 2024-10-07. Review status: criteria provided, single submitter. Criteria: Invitae Variant Classification Sherloc (09022015). Collection method: clinical testing. Allele origin: germline.
Comment: This sequence change replaces tyrosine, which is neutral and polar, with cysteine, which is neutral and slightly polar, at codon 643 of the UBE3B protein (p.Tyr643Cys). This variant is present in population databases (rs200296256, gnomAD 0.03%). This variant has not been reported in the literature in individuals affected with UBE3B-related conditions. Invitae Evidence Modeling of protein sequence and biophysical properties (such as structural, functional, and spatial information, amino acid conservation, physicochemical variation, residue mobility, and thermodynamic stability) indicates that this missense variant is not expected to disrupt UBE3B protein function with a negative predictive value of 80%. In summary, the available evidence is currently insufficient to determine the role of this variant in disease. Therefore, it has been classified as a Variant of Uncertain Significance.

NM_130466.4(UBE3B):c.1928A>G (p.Tyr643Cys)

Gene: UBE3B (ubiquitin protein ligase E3B; plus strand). Cytogenetic location: 12q24.11.
Variant type: single nucleotide variant.
Coding change: c.1928A>G on transcript NM_130466.4 (MANE Select); coding-DNA position 1928, A replaced by G.
Protein change: p.Tyr643Cys; replaces tyrosine 643 with cysteine.
Molecular consequence: missense variant.
Genome position (GRCh38, 1-based): chr12:109,511,275, A>G. VCF-style: chr12-109511275-A-G. GRCh37 (hg19) VCF-style: chr12-109949080-A-G.
Other names: c.1928A>G, p.Tyr643Cys (NM_183415.3); short protein forms Y643C.
Identifiers: ClinVar variation 3626209 (VCV003626209.2).